The following is an entry in ClinVar:

NM_006996.3(SLC19A2):c.1061T>C (p.Ile354Thr)

Gene: SLC19A2 (solute carrier family 19 member 2; minus strand). Cytogenetic location: 1q24.2.
Variant type: single nucleotide variant.
Coding change: c.1061T>C on transcript NM_006996.3 (MANE Select); coding-DNA position 1061, T replaced by C.
Protein change: p.Ile354Thr; replaces isoleucine 354 with threonine.
Molecular consequence: missense variant.
Genome position (GRCh38, 1-based): chr1:169,468,806, A>G on the plus strand (T>C on the coding strand, the complement: SLC19A2 is on the minus strand). VCF-style: chr1-169468806-A-G. GRCh37 (hg19) VCF-style: chr1-169438044-A-G.
Other names: c.458T>C, p.Ile153Thr (NM_001319667.1); short protein forms I153T, I354T.
Identifiers: ClinVar variation 1700887 (VCV001700887.2), dbSNP rs2101773816, ClinGen allele CA343129037.

ClinVar aggregate classification (germline): Uncertain significance (1 of 4 stars; one submission).

Submission:

GeneDx
Classification: Uncertain significance. Last evaluated: 2022-02-09. Review status: criteria provided, single submitter. Criteria: GeneDx Variant Classification Process June 2021. Collection method: clinical testing. Allele origin: germline. Affected: yes.
Comment: Not observed at significant frequency in large population cohorts (gnomAD); In silico analysis supports that this missense variant has a deleterious effect on protein structure/function; Has not been previously published as pathogenic or benign to our knowledge